The following is an entry in ClinVar:

NM_001035.3(RYR2):c.3572C>T (p.Ala1191Val)

Gene: RYR2 (ryanodine receptor 2; plus strand). Cytogenetic location: 1q43.
Variant type: single nucleotide variant.
Coding change: c.3572C>T on transcript NM_001035.3 (MANE Select); coding-DNA position 3572, C replaced by T.
Protein change: p.Ala1191Val; replaces alanine 1191 with valine.
Molecular consequence: missense variant.
Genome position (GRCh38, 1-based): chr1:237,569,293, C>T. VCF-style: chr1-237569293-C-T. GRCh37 (hg19) VCF-style: chr1-237732593-C-T.
Other names: short protein forms A1191V.
Identifiers: ClinVar variation 3070257 (VCV003070257.2), dbSNP rs2546448469, ClinGen allele CA345390768.

ClinVar aggregate classification (germline): Uncertain significance. Review status: criteria provided, multiple submitters, no conflicts (2 of 4 stars). 2 submissions from 2 submitters: Uncertain significance (2). Last evaluated 2025-03-30.

Conditions:
Catecholaminergic polymorphic ventricular tachycardia (CVPT). Also called: Catecholamine-induced polymorphic ventricular tachycardia. Identifiers: Orphanet 3286, MedGen C5574922, MONDO:0017990.
Catecholaminergic polymorphic ventricular tachycardia 1. Also called: RYR2-Related Catecholaminergic Polymorphic Ventricular Tachycardia; VENTRICULAR TACHYCARDIA, STRESS-INDUCED POLYMORPHIC 1; VENTRICULAR TACHYCARDIA, CATECHOLAMINERGIC POLYMORPHIC, 1, WITH OR WITHOUT ATRIAL DYSFUNCTION AND/OR DILATED CARDIOMYOPATHY. Identifiers: Orphanet 3286, MedGen C1631597, MONDO:0011484, OMIM 604772.

Submissions (2):

Labcorp Genetics (formerly Invitae), Labcorp
Classification: Uncertain significance for Catecholaminergic polymorphic ventricular tachycardia 1. Last evaluated: 2025-03-30. Review status: criteria provided, single submitter. Criteria: Invitae Variant Classification Sherloc (09022015). Collection method: clinical testing. Allele origin: germline.
Comment: This sequence change replaces alanine, which is neutral and non-polar, with valine, which is neutral and non-polar, at codon 1191 of the RYR2 protein (p.Ala1191Val). This variant is not present in population databases (gnomAD no frequency). This variant has not been reported in the literature in individuals affected with RYR2-related conditions. ClinVar contains an entry for this variant (Variation ID: 3070257). Invitae Evidence Modeling of protein sequence and biophysical properties (such as structural, functional, and spatial information, amino acid conservation, physicochemical variation, residue mobility, and thermodynamic stability) indicates that this missense variant is not expected to disrupt RYR2 protein function with a negative predictive value of 95%. In summary, the available evidence is currently insufficient to determine the role of this variant in disease. Therefore, it has been classified as a Variant of Uncertain Significance.

All of Us Research Program, National Institutes of Health
Classification: Uncertain significance for Catecholaminergic polymorphic ventricular tachycardia. Last evaluated: 2023-04-03. Review status: criteria provided, single submitter. Criteria: ACMG Guidelines, 2015. Collection method: clinical testing. Allele origin: germline. Inheritance: Autosomal dominant inheritance. Observed: 1 variant allele, 1 heterozygote.
Comment: This missense variant replaces alanine with valine at codon 1191 of the RYR2 protein. Computational prediction suggests that this variant may not impact protein structure and function (internally defined REVEL score threshold <= 0.5, PMID: 27666373). To our knowledge, functional studies have not been reported for this variant. This variant has not been reported in individuals affected with RYR2-related disorders in the literature. This variant has not been identified in the general population by the Genome Aggregation Database (gnomAD). The available evidence is insufficient to determine the role of this variant in disease conclusively. Therefore, this variant is classified as a Variant of Uncertain Significance.

This study involves interpretation of variants in research participants for the purpose of population health screening. Participant phenotype was not available at the time of variant classification. Additional details can be found in publication PMID: 35346344, PMCID: PMC8962531